The following is an entry in ClinVar:

NM_001267550.2(TTN):c.58182T>C (p.Asp19394=)

Genes: TTN (titin; minus strand), TTN-AS1 (TTN antisense RNA 1; plus strand). Cytogenetic location: 2q31.2.
Variant type: single nucleotide variant.
Coding change: c.58182T>C on transcript NM_001267550.2 (MANE Select); coding-DNA position 58182, T replaced by C.
Protein change: p.Asp19394=; no amino-acid change (aspartic acid 19394 retained).
Molecular consequence: synonymous variant.
Genome position (GRCh38, 1-based): chr2:178,594,211, A>G on the plus strand (T>C on the coding strand, the complement: TTN is on the minus strand). VCF-style: chr2-178594211-A-G. GRCh37 (hg19) VCF-style: chr2-179458938-A-G.
Other names: c.53259T>C, p.Asp17753= (NM_001256850.1); c.30987T>C, p.Asp10329= (NM_003319.4); c.50478T>C, p.Asp16826= (NM_133378.4); c.31362T>C, p.Asp10454= (NM_133432.3); c.31563T>C, p.Asp10521= (NM_133437.4).
Identifiers: ClinVar variation 682453 (VCV000682453.2), dbSNP rs995175528, ClinGen allele CA60971911.

ClinVar aggregate classification (germline): Likely benign. Review status: criteria provided, multiple submitters, no conflicts (2 of 4 stars). 2 submissions from 2 submitters: Likely benign (2). Last evaluated 2025-12-07.

Conditions:
Cardiovascular phenotype. Identifiers: MedGen CN230736.

Allele frequency attached by ClinVar (database versions not stated): TOPMed below 0.00001.

Submissions (2):

Ambry Genetics
Classification: Likely benign for Cardiovascular phenotype. Last evaluated: 2025-12-07. Review status: criteria provided, single submitter. Criteria: Ambry Variant Classification Scheme 2023. Collection method: clinical testing. Allele origin: germline.

GeneDx
Classification: Likely benign. Last evaluated: 2018-04-25. Review status: criteria provided, single submitter. Criteria: GeneDx Variant Classification (06012015). Collection method: clinical testing. Allele origin: germline. Affected: yes.
Comment: This variant is considered likely benign or benign based on one or more of the following criteria: it is a conservative change, it occurs at a poorly conserved position in the protein, it is predicted to be benign by multiple in silico algorithms, and/or has population frequency not consistent with disease.